The following is an entry in ClinVar:

NM_033028.5(BBS4):c.865-9C>G

Gene: BBS4 (Bardet-Biedl syndrome 4; plus strand). Cytogenetic location: 15q24.1.
Variant type: single nucleotide variant.
Coding change: c.865-9C>G on transcript NM_033028.5 (MANE Select); 9 bases into the intron before coding-DNA position 865, C replaced by G.
Molecular consequence: intron variant.
Genome position (GRCh38, 1-based): chr15:72,731,546, C>G. VCF-style: chr15-72731546-C-G. GRCh37 (hg19) VCF-style: chr15-73023887-C-G.
Other names: c.796-9C>G (NM_001320665.2); c.349-9C>G (NM_001252678.2).
Identifiers: ClinVar variation 3031391 (VCV003031391.2), dbSNP rs1413197400, ClinGen allele CA619410395.
Genomic context (GRCh38, chr15:72,731,546, plus strand): 5'-TATTTCTACATGTGGTTATTGGGTCTGTTTAGCTTGCCCTTCTCATTGAGTGCCCCTTCT[C>G]TCTCATAGGCCATCAGCTGCCTGAAACGAGCCAACTACTTGGCACCCTTTGATTGGAAGA-3'

ClinVar aggregate classification (germline): Likely benign (0 of 4 stars; one submission).

Conditions:
BBS4-related disorder. Also called: BBS4-related condition.

Allele frequency attached by ClinVar (database versions not stated): TOPMed below 0.00001; gnomAD 0.00002.
gnomAD v4.1: 3 of 1,614,088 alleles (0.00019%); highest among the groups gnomAD compares: African/African-American, 0.004%; no homozygotes.

Submission:

PreventionGenetics, part of Exact Sciences
Classification: Likely benign for BBS4-related condition. Last evaluated: 2020-11-10. Review status: no assertion criteria provided. Collection method: clinical testing. Allele origin: germline.
Comment: This variant is classified as likely benign based on ACMG/AMP sequence variant interpretation guidelines (Richards et al. 2015 PMID: 25741868, with internal and published modifications).